The following is an entry in ClinVar:

ClinVar aggregate classification (germline): Uncertain significance (1 of 4 stars; one submission).

Submission:

Labcorp Genetics (formerly Invitae), Labcorp
Classification: Uncertain significance. Last evaluated: 2022-08-20. Review status: criteria provided, single submitter. Criteria: Invitae Variant Classification Sherloc (09022015). Collection method: clinical testing. Allele origin: germline.
Comment: In summary, the available evidence is currently insufficient to determine the role of this variant in disease. Therefore, it has been classified as a Variant of Uncertain Significance. Advanced modeling of protein sequence and biophysical properties (such as structural, functional, and spatial information, amino acid conservation, physicochemical variation, residue mobility, and thermodynamic stability) performed at Invitae indicates that this missense variant is not expected to disrupt KCNV2 protein function. This variant has not been reported in the literature in individuals affected with KCNV2-related conditions. This variant is not present in population databases (gnomAD no frequency). This sequence change replaces leucine, which is neutral and non-polar, with valine, which is neutral and non-polar, at codon 476 of the KCNV2 protein (p.Leu476Val).

NM_133497.4(KCNV2):c.1426C>G (p.Leu476Val)

Gene: KCNV2 (potassium voltage-gated channel modifier subfamily V member 2; plus strand). Cytogenetic location: 9p24.2.
Variant type: single nucleotide variant.
Coding change: c.1426C>G on transcript NM_133497.4 (MANE Select); coding-DNA position 1426, C replaced by G.
Protein change: p.Leu476Val; replaces leucine 476 with valine.
Molecular consequence: missense variant.
Genome position (GRCh38, 1-based): chr9:2,729,515, C>G. VCF-style: chr9-2729515-C-G. GRCh37 (hg19) VCF-style: chr9-2729515-C-G.
Other names: short protein forms L476V.
Identifiers: ClinVar variation 1717214 (VCV001717214.5), dbSNP rs1820027875, ClinGen allele CA372803431.